The following is an entry in ClinVar:

NM_006231.4(POLE):c.5136C>T (p.Ala1712=)

Gene: POLE (DNA polymerase epsilon, catalytic subunit; minus strand). Cytogenetic location: 12q24.33.
Variant type: single nucleotide variant.
Coding change: c.5136C>T on transcript NM_006231.4 (MANE Select); coding-DNA position 5136, C replaced by T.
Protein change: p.Ala1712=; no amino-acid change (alanine 1712 retained).
Molecular consequence: synonymous variant.
Genome position (GRCh38, 1-based): chr12:132,642,214, G>A on the plus strand (C>T on the coding strand, the complement: POLE is on the minus strand). VCF-style: chr12-132642214-G-A. GRCh37 (hg19) VCF-style: chr12-133218800-G-A.
Identifiers: ClinVar variation 509793 (VCV000509793.12), dbSNP rs1555222447, ClinGen allele CA482848751.

ClinVar aggregate classification (germline): Likely benign. Review status: criteria provided, multiple submitters, no conflicts (2 of 4 stars). 3 submissions from 3 submitters: Likely benign (3). Last evaluated 2022-10-29.

Conditions:
Hereditary cancer-predisposing syndrome. Also called: Hereditary neoplastic syndrome; Hereditary Cancer Syndrome; Neoplastic Syndromes, Hereditary; Tumor predisposition. Identifiers: Orphanet 140162, MedGen C0027672, MeSH D009386, MONDO:0015356.

Submissions (3):

Labcorp Genetics (formerly Invitae), Labcorp
Classification: Likely benign. Last evaluated: 2022-10-29. Review status: criteria provided, single submitter. Criteria: Invitae Variant Classification Sherloc (09022015). Collection method: clinical testing. Allele origin: germline.

Ambry Genetics
Classification: Likely benign for Hereditary cancer-predisposing syndrome. Last evaluated: 2022-10-05. Review status: criteria provided, single submitter. Criteria: Ambry Variant Classification Scheme 2023. Collection method: clinical testing. Allele origin: germline.

GeneDx
Classification: Likely benign. Last evaluated: 2017-06-02. Review status: criteria provided, single submitter. Criteria: GeneDx Variant Classification (06012015). Collection method: clinical testing. Allele origin: germline. Affected: yes.
Comment: This variant is considered likely benign or benign based on one or more of the following criteria: it is a conservative change, it occurs at a poorly conserved position in the protein, it is predicted to be benign by multiple in silico algorithms, and/or has population frequency not consistent with disease.